The following is an entry in ClinVar:

ClinVar aggregate classification (germline): Uncertain significance (1 of 4 stars; one submission).

Submission:

CeGaT Center for Human Genetics Tuebingen
Classification: Uncertain significance. Last evaluated: 2026-09-01. Review status: criteria provided, single submitter. Criteria: CeGaT Center For Human Genetics Tuebingen Variant Classification Criteria Version 2. Collection method: clinical testing. Allele origin: germline. Affected: yes. Observed: 1 variant allele.
Comment: GPR101: PM2, BP4

NM_054021.2(GPR101):c.158C>A (p.Ala53Glu)

Gene: GPR101 (G protein-coupled receptor 101; minus strand). Cytogenetic location: Xq26.3.
Variant type: single nucleotide variant.
Coding change: c.158C>A on transcript NM_054021.2 (MANE Select); coding-DNA position 158, C replaced by A.
Protein change: p.Ala53Glu; replaces alanine 53 with glutamic acid.
Molecular consequence: missense variant.
Genome position (GRCh38, 1-based): chrX:137,031,517, G>T on the plus strand (C>A on the coding strand, the complement: GPR101 is on the minus strand). VCF-style: chrX-137031517-G-T. GRCh37 (hg19) VCF-style: chrX-136113676-G-T.
Other names: short protein forms A53E.
Identifiers: ClinVar variation 5041709 (VCV005041709.1).